The following is an entry in ClinVar:

NM_022765.4(MICAL1):c.613C>A (p.Gln205Lys)

Gene: MICAL1 (microtubule associated monooxygenase, calponin and LIM domain containing 1; minus strand). Cytogenetic location: 6q21.
Variant type: single nucleotide variant.
Coding change: c.613C>A on transcript NM_022765.4 (MANE Select); coding-DNA position 613, C replaced by A.
Protein change: p.Gln205Lys; replaces glutamine 205 with lysine.
Molecular consequence: missense variant.
Genome position (GRCh38, 1-based): chr6:109,452,574, G>T on the plus strand (C>A on the coding strand, the complement: MICAL1 is on the minus strand). VCF-style: chr6-109452574-G-T. GRCh37 (hg19) VCF-style: chr6-109773777-G-T.
Other names: c.613C>A, p.Gln205Lys (NM_001159291.2); c.670C>A, p.Gln224Lys (NM_001286613.2); short protein forms Q224K, Q205K.
Identifiers: ClinVar variation 3395840 (VCV003395840.3).

ClinVar aggregate classification (germline): Uncertain significance. Review status: criteria provided, multiple submitters, no conflicts (2 of 4 stars). 2 submissions from 2 submitters: Uncertain significance (2). Last evaluated 2024-10-20.

gnomAD v4.1: 2 of 1,613,674 alleles (0.00012%); highest among the groups gnomAD compares: Middle Eastern, 0.034%; no homozygotes.

Submissions (2):

Ambry Genetics
Classification: Uncertain significance. Last evaluated: 2024-10-20. Review status: criteria provided, single submitter. Criteria: Ambry Variant Classification Scheme 2023. Collection method: clinical testing. Allele origin: germline.

Labcorp Genetics (formerly Invitae), Labcorp
Classification: Uncertain significance. Last evaluated: 2024-06-05. Review status: criteria provided, single submitter. Criteria: Invitae Variant Classification Sherloc (09022015). Collection method: clinical testing. Allele origin: germline.
Comment: This sequence change replaces glutamine, which is neutral and polar, with lysine, which is basic and polar, at codon 224 of the MICAL1 protein (p.Gln224Lys). This variant is not present in population databases (gnomAD no frequency). This variant has not been reported in the literature in individuals affected with MICAL1-related conditions. An algorithm developed to predict the effect of missense changes on protein structure and function (PolyPhen-2) suggests that this variant is likely to be tolerated. In summary, the available evidence is currently insufficient to determine the role of this variant in disease. Therefore, it has been classified as a Variant of Uncertain Significance.